The following is an entry in ClinVar:

ClinVar aggregate classification (germline): Uncertain significance (1 of 4 stars; one submission).

Conditions:
Multiple congenital anomalies-hypotonia-seizures syndrome 1 (MCAHS1). Also called: GLYCOSYLPHOSPHATIDYLINOSITOL BIOSYNTHESIS DEFECT 3; PIGN-CDG; Congenital disorder of glycosylation due to PIGN deficiency. Identifiers: Orphanet 280633, MedGen C3279775, MONDO:0013563, OMIM 614080.

Submission:

Labcorp Genetics (formerly Invitae), Labcorp
Classification: Uncertain significance for Multiple congenital anomalies-hypotonia-seizures syndrome 1. Last evaluated: 2024-03-04. Review status: criteria provided, single submitter. Criteria: Invitae Variant Classification Sherloc (09022015). Collection method: clinical testing. Allele origin: germline.
Comment: This sequence change results in a frameshift in the PIGN gene (p.Gly924Alafs*26). While this is not anticipated to result in nonsense mediated decay, it is expected to disrupt the last 8 amino acid(s) of the PIGN protein and extend the protein by 17 additional amino acid residues. This variant is not present in population databases (gnomAD no frequency). This variant has not been reported in the literature in individuals affected with PIGN-related conditions. ClinVar contains an entry for this variant (Variation ID: 1509123). Experimental studies and prediction algorithms are not available or were not evaluated, and the functional significance of this variant is currently unknown. In summary, the available evidence is currently insufficient to determine the role of this variant in disease. Therefore, it has been classified as a Variant of Uncertain Significance.

NM_176787.5(PIGN):c.2771del (p.Gly924fs)

Gene: PIGN (phosphatidylinositol glycan anchor biosynthesis class N; minus strand). Cytogenetic location: 18q21.33.
Variant type: Deletion.
Coding change: c.2771del on transcript NM_176787.5 (MANE Select); coding-DNA position 2771, one base deleted (G; older notation c.2771delG).
Protein change: p.Gly924fs; shifts the reading frame from glycine 924.
Molecular consequence: frameshift variant.
Genome position (GRCh38, 1-based): chr18:62,045,881, C deleted on the plus strand (G on the coding strand, the reverse complement: PIGN is on the minus strand); the first of 2 consecutive C bases (chr18:62,045,881-62,045,882); deleting either gives the same sequence. VCF-style (leftmost placement, unchanged base first): chr18-62045880-GC-G. GRCh37 (hg19) VCF-style: chr18-59713113-GC-G.
Other names: c.2771del, p.Gly924fs (NM_012327.6); short protein forms G924fs.
Identifiers: ClinVar variation 1509123 (VCV001509123.6), dbSNP rs2144983983, ClinGen allele CA2573155424.